The following is an entry in ClinVar:

ClinVar aggregate classification (germline): Likely benign (1 of 4 stars; one submission).

Allele frequency attached by ClinVar (database versions not stated): gnomAD 0.00001; gnomAD exomes 0.00001; TOPMed 0.00001.
gnomAD v4.1: 17 of 1,523,082 alleles (0.0011%); highest among the groups gnomAD compares: African/African-American, 0.0057%; no homozygotes.

Submission:

CeGaT Center for Human Genetics Tuebingen
Classification: Likely benign. Last evaluated: 2023-01-01. Review status: criteria provided, single submitter. Criteria: CeGaT Center For Human Genetics Tuebingen Variant Classification Criteria Version 2. Collection method: clinical testing. Allele origin: germline. Affected: yes. Observed: 1 variant allele.
Comment: CTBP1: BP4, BP7

NM_001012614.2(CTBP1):c.1224C>T (p.His408=)

Genes: CTBP1 (C-terminal binding protein 1; minus strand), CTBP1-AS (CTBP1 antisense RNA; plus strand). Cytogenetic location: 4p16.3.
Variant type: single nucleotide variant.
Coding change: c.1224C>T on transcript NM_001012614.2 (MANE Select); coding-DNA position 1224, C replaced by T.
Protein change: p.His408=; no amino-acid change (histidine 408 retained).
Molecular consequence: synonymous variant. On other transcripts: non-coding transcript variant (1).
Genome position (GRCh38, 1-based): chr4:1,212,306, G>A on the plus strand (C>T on the coding strand, the complement: CTBP1 is on the minus strand). VCF-style: chr4-1212306-G-A. GRCh37 (hg19) VCF-style: chr4-1206094-G-A.
Other names: c.1257C>T, p.His419= (NM_001328.3); c.1260C>T, p.His420= (NM_001377186.1); c.1227C>T, p.His409= (NM_001377187.1, NM_001377188.1, NM_001377189.1 and 1 more transcripts); c.1224C>T, p.His408= (NM_001377191.1, NM_001377192.1, NM_001377193.1).
Identifiers: ClinVar variation 2654546 (VCV002654546.24), dbSNP rs1453823824, ClinGen allele CA437922324.